The following is an entry in ClinVar:

NM_012330.4(KAT6B):c.4483G>A (p.Asp1495Asn)

Gene: KAT6B (lysine acetyltransferase 6B; plus strand). Cytogenetic location: 10q22.2.
Variant type: single nucleotide variant.
Coding change: c.4483G>A on transcript NM_012330.4 (MANE Select); coding-DNA position 4483, G replaced by A.
Protein change: p.Asp1495Asn; replaces aspartic acid 1495 with asparagine.
Molecular consequence: missense variant.
Genome position (GRCh38, 1-based): chr10:75,029,307, G>A. VCF-style: chr10-75029307-G-A. GRCh37 (hg19) VCF-style: chr10-76789065-G-A.
Other names: c.3445G>A, p.Asp1149Asn (NM_001370132.1); c.2794G>A, p.Asp932Asn (NM_001370133.1); c.2398G>A, p.Asp800Asn (NM_001370134.1); c.2140G>A, p.Asp714Asn (NM_001370135.1); c.4483G>A, p.Asp1495Asn (NM_001370136.1, NM_001370137.1); c.3934G>A, p.Asp1312Asn (NM_001370138.1, NM_001256468.2); c.3607G>A, p.Asp1203Asn (NM_001370139.1, NM_001370140.1, NM_001370141.1 and 2 more transcripts); c.3418G>A, p.Asp1140Asn (NM_001370143.1, NM_001370144.1); short protein forms D1203N, D1495N, D1312N, D1140N, D1149N, D800N, D714N, D932N.
Identifiers: ClinVar variation 4701564 (VCV004701564.1).

ClinVar aggregate classification (germline): Uncertain significance (1 of 4 stars; one submission).

Conditions:
Genitopatellar syndrome (GTPTS). Also called: ABSENT PATELLAE, SCROTAL HYPOPLASIA, RENAL ANOMALIES, FACIAL DYSMORPHISM, AND MENTAL RETARDATION; Genitopatellar syndrome (GPS). Identifiers: Orphanet 85201, MedGen C1853566, MONDO:0011640, OMIM 606170.

Submission:

Labcorp Genetics (formerly Invitae), Labcorp
Classification: Uncertain significance for Genitopatellar syndrome. Last evaluated: 2025-03-16. Review status: criteria provided, single submitter. Criteria: Invitae Variant Classification Sherloc (09022015). Collection method: clinical testing. Allele origin: germline.
Comment: This sequence change replaces aspartic acid, which is acidic and polar, with asparagine, which is neutral and polar, at codon 1495 of the KAT6B protein (p.Asp1495Asn). This variant is not present in population databases (gnomAD no frequency). This variant has not been reported in the literature in individuals affected with KAT6B-related conditions. Invitae Evidence Modeling of protein sequence and biophysical properties (such as structural, functional, and spatial information, amino acid conservation, physicochemical variation, residue mobility, and thermodynamic stability) indicates that this missense variant is not expected to disrupt KAT6B protein function with a negative predictive value of 80%. In summary, the available evidence is currently insufficient to determine the role of this variant in disease. Therefore, it has been classified as a Variant of Uncertain Significance.